The following is an entry in ClinVar:

ClinVar aggregate classification (germline): Likely benign (1 of 4 stars; one submission).

gnomAD v4.1: 39 of 1,613,850 alleles (0.0024%); highest among the groups gnomAD compares: Admixed American, 0.015%; no homozygotes.

Submission:

CeGaT Center for Human Genetics Tuebingen
Classification: Likely benign. Last evaluated: 2026-04-01. Review status: criteria provided, single submitter. Criteria: CeGaT Center For Human Genetics Tuebingen Variant Classification Criteria Version 2. Collection method: clinical testing. Allele origin: germline. Affected: yes. Observed: 1 variant allele.
Comment: NLRP5: BP4, BP7

NM_001433705.1(NLRP5):c.1443C>T (p.Cys481=)

Gene: NLRP5 (NLR family pyrin domain containing 5; plus strand). Cytogenetic location: 19q13.43.
Variant type: single nucleotide variant.
Coding change: c.1443C>T on transcript NM_001433705.1 (MANE Select); coding-DNA position 1443, C replaced by T.
Protein change: p.Cys481=; no amino-acid change (cysteine 481 retained).
Molecular consequence: synonymous variant.
Genome position (GRCh38, 1-based): chr19:56,027,829, C>T. VCF-style: chr19-56027829-C-T. GRCh37 (hg19) VCF-style: chr19-56539195-C-T.
Identifiers: ClinVar variation 4873331 (VCV004873331.2).